The following is an entry in ClinVar:

ClinVar aggregate classification (germline): Pathogenic. Review status: criteria provided, multiple submitters, no conflicts (2 of 4 stars). 3 submissions from 3 submitters: Pathogenic (3). Last evaluated 2024-03-21.

Conditions:
RPGR-related disorder. Also called: RPGR-related condition.
Retinal dystrophy. Also called: Inherited retinal dystrophy. Identifiers: Orphanet 71862, MedGen C0854723, MeSH D058499, MONDO:0019118, HP:0000556.
Primary ciliary dyskinesia. Also called: Ciliary dyskinesia. Identifiers: Orphanet 244, MedGen C0008780, MONDO:0016575, HP:0012265.

Submissions (3):

Labcorp Genetics (formerly Invitae), Labcorp
Classification: Pathogenic for Primary ciliary dyskinesia. Last evaluated: 2024-03-21. Review status: criteria provided, single submitter. Criteria: Invitae Variant Classification Sherloc (09022015). Collection method: clinical testing. Allele origin: germline.
Comment: This sequence change creates a premature translational stop signal (p.Glu1004Glyfs*74) in the RPGR (ORF15) gene. While this is not anticipated to result in nonsense mediated decay, it is expected to disrupt the last 149 amino acid(s) of the RPGR (ORF15) protein. This variant is not present in population databases (gnomAD no frequency). This premature translational stop signal has been observed in individual(s) with retinitis pigmentosa (PMID: 17325176). This variant is also known as g.ORF15 1258_1259delAG. This variant disrupts a region of the RPGR (ORF15) protein in which other variant(s) (p.Leu1130Lysfs*13) have been determined to be pathogenic (PMID: 22264887; Invitae). This suggests that this is a clinically significant region of the protein, and that variants that disrupt it are likely to be disease-causing. For these reasons, this variant has been classified as Pathogenic.

Institute of Human Genetics, Univ. Regensburg, Univ. Regensburg
Classification: Pathogenic for Retinal dystrophy. Last evaluated: 2022-01-01. Review status: criteria provided, single submitter. Criteria: ACMG Guidelines, 2015. Collection method: clinical testing. Allele origin: germline. Affected: yes.

Blueprint Genetics
Classification: Pathogenic for RPGR-related disorders. Last evaluated: 2021-07-30. Review status: criteria provided, single submitter. Criteria: ACMG Guidelines, 2015. Collection method: clinical testing. Allele origin: germline. Affected: yes. Observed: 4 variant alleles.

Literature cited by the submitters: PubMed 17325176 (cited by Labcorp Genetics (formerly Invitae), Labcorp and Institute of Human Genetics, Univ. Regensburg, Univ. Regensburg); PubMed 22264887 (cited by Labcorp Genetics (formerly Invitae), Labcorp).

NM_001034853.2(RPGR):c.3011_3012del (p.Glu1004fs)

Gene: RPGR (retinitis pigmentosa GTPase regulator; minus strand). Cytogenetic location: Xp11.4.
Variant type: Microsatellite.
Coding change: c.3011_3012del on transcript NM_001034853.2 (MANE Select); coding-DNA positions 3011 to 3012, 2 bases deleted (AG; older notation c.3011_3012delAG).
Protein change: p.Glu1004fs; shifts the reading frame from glutamic acid 1004.
Molecular consequence: frameshift variant. On other transcripts: intron variant (8).
Genome position (GRCh38, 1-based): chrX:38,285,987-38,285,988, CT deleted on the plus strand (AG on the coding strand, the reverse complement: RPGR is on the minus strand); deleting any 2 consecutive bases within chrX:38,285,987-38,285,991 gives the same sequence; the c. name uses the placement nearest the transcript's 3' end. VCF-style (leftmost placement, unchanged base first): chrX-38285986-CCT-C. GRCh37 (hg19) VCF-style: chrX-38145239-CCT-C.
Other names: c.1569+4971_1569+4972del (NM_001367249.1, NM_001367250.1); c.1902+1106_1902+1107del (NM_001367245.1); c.1386+4971_1386+4972del (NM_001367251.1); c.1719+1106_1719+1107del (NM_001367246.1); c.1572+4971_1572+4972del (NM_001367247.1); c.1905+1106_1905+1107del (NM_000328.3); c.1602+4971_1602+4972del (NM_001367248.1); short protein forms E1004fs.
Identifiers: ClinVar variation 3249782 (VCV003249782.4).